The following is an entry in ClinVar:

ClinVar aggregate classification (germline): Conflicting classifications of pathogenicity. Review status: criteria provided, conflicting classifications (1 of 4 stars). 3 submissions from 3 submitters: Uncertain significance (2); Likely benign (1). Last evaluated 2024-06-19.

Conditions:
Hereditary breast ovarian cancer syndrome. Also called: Hereditary breast and ovarian cancer; Hereditary breast and/or ovarian cancer syndrome; BRCA1- and BRCA2-Associated Hereditary Breast and Ovarian Cancer; Hereditary breast and ovarian cancer syndrome; Hereditary breast and ovarian cancer syndrome (HBOC); Breast and ovarian cancer. Identifiers: Orphanet 145, MedGen C0677776, MeSH D061325, MONDO:0003582. Disease mechanism: loss of function.
Hereditary cancer-predisposing syndrome. Also called: Tumor predisposition; Hereditary Cancer Syndrome; Hereditary neoplastic syndrome; Neoplastic Syndromes, Hereditary. Identifiers: Orphanet 140162, MedGen C0027672, MeSH D009386, MONDO:0015356.

Submissions (3):

Ambry Genetics
Classification: Uncertain significance for Hereditary cancer-predisposing syndrome. Last evaluated: 2024-06-19. Review status: criteria provided, single submitter. Criteria: Ambry Variant Classification Scheme 2023. Collection method: clinical testing. Allele origin: germline.
Comment: The p.P1801L variant (also known as c.5402C>T), located in coding exon 10 of the BRCA2 gene, results from a C to T substitution at nucleotide position 5402. The proline at codon 1801 is replaced by leucine, an amino acid with similar properties. This amino acid position is conserved. In addition, this alteration is predicted to be tolerated by in silico analysis. Based on the available evidence, the clinical significance of this variant remains unclear.

Labcorp Genetics (formerly Invitae), Labcorp
Classification: Uncertain significance for Hereditary breast ovarian cancer syndrome. Last evaluated: 2023-05-22. Review status: criteria provided, single submitter. Criteria: Invitae Variant Classification Sherloc (09022015). Collection method: clinical testing. Allele origin: germline.
Comment: ClinVar contains an entry for this variant (Variation ID: 409490). This variant has not been reported in the literature in individuals affected with BRCA2-related conditions. This variant is not present in population databases (gnomAD no frequency). This sequence change replaces proline, which is neutral and non-polar, with leucine, which is neutral and non-polar, at codon 1801 of the BRCA2 protein (p.Pro1801Leu). Advanced modeling of protein sequence and biophysical properties (such as structural, functional, and spatial information, amino acid conservation, physicochemical variation, residue mobility, and thermodynamic stability) performed at Invitae indicates that this missense variant is not expected to disrupt BRCA2 protein function. In summary, the available evidence is currently insufficient to determine the role of this variant in disease. Therefore, it has been classified as a Variant of Uncertain Significance.

University of Washington Department of Laboratory Medicine, University of Washington
Classification: Likely benign for Hereditary cancer-predisposing syndrome. Last evaluated: 2023-03-23. Review status: criteria provided, single submitter. Criteria: Dines et al. (Genet Med. 2020). Collection method: curation. Allele origin: germline.
Comment: Missense variant in a coldspot region where missense variants are very unlikely to be pathogenic (PMID:31911673).

BRCA2 exon 11 coldspot. Reclassification based on statistical prior probability.

NM_000059.4(BRCA2):c.5402C>T (p.Pro1801Leu)

Gene: BRCA2 (BRCA2 DNA repair associated; plus strand). Cytogenetic location: 13q13.1.
Variant type: single nucleotide variant.
Coding change: c.5402C>T on transcript NM_000059.4 (MANE Select); coding-DNA position 5402, C replaced by T.
Protein change: p.Pro1801Leu; replaces proline 1801 with leucine.
Molecular consequence: missense variant.
Genome position (GRCh38, 1-based): chr13:32,339,757, C>T. VCF-style: chr13-32339757-C-T. GRCh37 (hg19) VCF-style: chr13-32913894-C-T.
Other names: short protein forms P1801L.
Identifiers: ClinVar variation 409490 (VCV000409490.11), dbSNP rs1060502429, ClinGen allele CA16613981.